The following is an entry in ClinVar:

NM_130468.4(CHST14):c.361G>A (p.Gly121Ser)

Gene: CHST14 (carbohydrate sulfotransferase 14; plus strand). Cytogenetic location: 15q15.1.
Variant type: single nucleotide variant.
Coding change: c.361G>A on transcript NM_130468.4 (MANE Select); coding-DNA position 361, G replaced by A.
Protein change: p.Gly121Ser; replaces glycine 121 with serine.
Molecular consequence: missense variant.
Genome position (GRCh38, 1-based): chr15:40,471,574, G>A. VCF-style: chr15-40471574-G-A. GRCh37 (hg19) VCF-style: chr15-40763773-G-A.
Other names: short protein forms G121S.
Identifiers: ClinVar variation 4613905 (VCV004613905.1).
Genomic context (GRCh38, chr15:40,471,574, plus strand): 5'-GACTTGCAAGTGCGGCAGGACGTCCGGAACAGGACCCTGCGGGCGGTGTGCGGACAGCCA[G>A]GCATGCCCCGGGACCCCTGGGACTTGCCGGTGGGGCAGCGGCGCACCCTGCTGCGCCACA-3'
Protein context (NP_569735.1, residues 111-131): RTLRAVCGQP[Gly121Ser]MPRDPWDLPV

ClinVar aggregate classification (germline): Uncertain significance (1 of 4 stars; one submission).

Conditions:
Cardiovascular phenotype. Identifiers: MedGen CN230736.

Submission:

Ambry Genetics
Classification: Uncertain significance for Cardiovascular phenotype. Last evaluated: 2025-10-14. Review status: criteria provided, single submitter. Criteria: Ambry Variant Classification Scheme 2023. Collection method: clinical testing. Allele origin: germline.
Comment: The p.G121S variant (also known as c.361G>A), located in coding exon 1 of the CHST14 gene, results from a G to A substitution at nucleotide position 361. The glycine at codon 121 is replaced by serine, an amino acid with similar properties. This amino acid position is conserved. In addition, this alteration is predicted to be tolerated by in silico analysis. Based on the available evidence, the clinical significance of this variant remains unclear.